The following is an entry in ClinVar:

NM_002860.4(ALDH18A1):c.738T>C (p.Asn246=)

Gene: ALDH18A1 (aldehyde dehydrogenase 18 family member A1; minus strand). Cytogenetic location: 10q24.1.
Variant type: single nucleotide variant.
Coding change: c.738T>C on transcript NM_002860.4 (MANE Select); coding-DNA position 738, T replaced by C.
Protein change: p.Asn246=; no amino-acid change (asparagine 246 retained).
Molecular consequence: synonymous variant.
Genome position (GRCh38, 1-based): chr10:95,633,029, A>G on the plus strand (T>C on the coding strand, the complement: ALDH18A1 is on the minus strand). VCF-style: chr10-95633029-A-G. GRCh37 (hg19) VCF-style: chr10-97392786-A-G.
Other names: c.732T>C, p.Asn244= (NM_001323415.2, NM_001017423.2); c.405T>C, p.Asn135= (NM_001323416.2, NM_001323412.2); c.633T>C, p.Asn211= (NM_001323417.2); c.399T>C, p.Asn133= (NM_001323418.2); c.102T>C, p.Asn34= (NM_001323419.2); c.738T>C, p.Asn246= (NM_001323413.2, NM_001323414.2).
Identifiers: ClinVar variation 2640717 (VCV002640717.24), dbSNP rs2097873454, ClinGen allele CA471029895.

ClinVar aggregate classification (germline): Likely benign (1 of 4 stars; one submission).

Allele frequency attached by ClinVar (database versions not stated): TOPMed below 0.00001; gnomAD 0.00001.
gnomAD v4.1: 1 of 1,614,006 alleles (0.000062%); highest among the groups gnomAD compares: Non-Finnish European, 0.000085%; no homozygotes.

Submission:

CeGaT Center for Human Genetics Tuebingen
Classification: Likely benign. Last evaluated: 2023-08-01. Review status: criteria provided, single submitter. Criteria: CeGaT Center For Human Genetics Tuebingen Variant Classification Criteria Version 2. Collection method: clinical testing. Allele origin: germline. Affected: yes. Observed: 1 variant allele.
Comment: ALDH18A1: BP4, BP7